The following is an entry in ClinVar:

ClinVar aggregate classification (germline): Uncertain significance (1 of 4 stars; one submission).

Conditions:
Kabuki syndrome. Also called: Kabuki make-up syndrome; NIIKAWA-KUROKI SYNDROME. Identifiers: Orphanet 2322, MedGen C0796004, MONDO:0016512.

Submission:

Labcorp Genetics (formerly Invitae), Labcorp
Classification: Uncertain significance for Kabuki syndrome. Last evaluated: 2024-04-15. Review status: criteria provided, single submitter. Criteria: Invitae Variant Classification Sherloc (09022015). Collection method: clinical testing. Allele origin: germline.
Comment: This sequence change replaces glutamine, which is neutral and polar, with arginine, which is basic and polar, at codon 3902 of the KMT2D protein (p.Gln3902Arg). This variant is not present in population databases (gnomAD no frequency). This variant has not been reported in the literature in individuals affected with KMT2D-related conditions. Advanced modeling of protein sequence and biophysical properties (such as structural, functional, and spatial information, amino acid conservation, physicochemical variation, residue mobility, and thermodynamic stability) performed at Invitae indicates that this missense variant is not expected to disrupt KMT2D protein function with a negative predictive value of 95%. In summary, the available evidence is currently insufficient to determine the role of this variant in disease. Therefore, it has been classified as a Variant of Uncertain Significance.

NM_003482.4(KMT2D):c.11705A>G (p.Gln3902Arg)

Gene: KMT2D (lysine methyltransferase 2D; minus strand). Cytogenetic location: 12q13.12.
Variant type: single nucleotide variant.
Coding change: c.11705A>G on transcript NM_003482.4 (MANE Select); coding-DNA position 11705, A replaced by G.
Protein change: p.Gln3902Arg; replaces glutamine 3902 with arginine.
Molecular consequence: missense variant.
Genome position (GRCh38, 1-based): chr12:49,033,000, T>C on the plus strand (A>G on the coding strand, the complement: KMT2D is on the minus strand). VCF-style: chr12-49033000-T-C. GRCh37 (hg19) VCF-style: chr12-49426783-T-C.
Other names: short protein forms Q3902R.
Identifiers: ClinVar variation 3605885 (VCV003605885.2).
Genomic context (GRCh38, chr12:49,033,000, plus strand): 5'-TGTTGTAGCTGCTGCTGCTGCTGCTGCTGAAGTTGCTGTTGCTGTTGCAGCTGCTGCTGC[T>C]GCTGAAGCTGCTGTAAAGAGCCCATGGGCTGAGCGCTCAGTTTGGGCTGCCCACTGTGTG-3'
Protein context (NP_003473.3, residues 3892-3912): QPMGSLQQLQ[Gln3902Arg]QQQLQQQQQL